The following is an entry in ClinVar:

NM_002880.4(RAF1):c.*110T>C

Gene: RAF1 (Raf-1 proto-oncogene, serine/threonine kinase; minus strand). Cytogenetic location: 3p25.2.
Variant type: single nucleotide variant.
Coding change: c.*110T>C on transcript NM_002880.4 (MANE Select); 110 bases downstream of the stop codon, T replaced by C.
Molecular consequence: 3 prime UTR variant. On other transcripts: non-coding transcript variant (3).
Genome position (GRCh38, 1-based): chr3:12,584,404, A>G on the plus strand (T>C on the coding strand, the complement: RAF1 is on the minus strand). VCF-style: chr3-12584404-A-G. GRCh37 (hg19) VCF-style: chr3-12625903-A-G.
Other names: c.*110T>C (NM_001354689.3, NM_001354690.3, NM_001354691.3 and 4 more transcripts).
Identifiers: ClinVar variation 899431 (VCV000899431.28), dbSNP rs550188508, ClinGen allele CA69601906.

ClinVar aggregate classification (germline): Benign/Likely benign. Review status: criteria provided, multiple submitters, no conflicts (2 of 4 stars). 3 submissions from 2 submitters: Benign (1); Likely benign (2). Last evaluated 2023-01-01.

Conditions:
LEOPARD syndrome 2 (LPRD2). Also called: RAF1-Related LEOPARD Syndrome. Identifiers: Orphanet 500, MedGen C1969056, MONDO:0012691, OMIM 611554.
Noonan syndrome 5 (NS5). Also called: RAF1-Related Noonan Syndrome. Identifiers: Orphanet 648, MedGen C1969057, MONDO:0012690, OMIM 611553. Disease mechanism: gain of function.

Allele frequency attached by ClinVar (database versions not stated): 1000 Genomes Project 30x 0.00047; 1000 Genomes Project 0.00060; TOPMed 0.00102; gnomAD 0.00111 and 0.00112; gnomAD exomes 0.00162.

Submissions (3):

CeGaT Center for Human Genetics Tuebingen
Classification: Likely benign. Last evaluated: 2023-01-01. Review status: criteria provided, single submitter. Criteria: CeGaT Center For Human Genetics Tuebingen Variant Classification Criteria Version 2. Collection method: clinical testing. Allele origin: germline. Affected: yes. Observed: 1 variant allele.
Comment: RAF1: BS1

Illumina Laboratory Services, Illumina
Classification: Benign for LEOPARD syndrome 2. Last evaluated: 2018-01-12. Review status: criteria provided, single submitter. Criteria: ICSL Variant Classification Criteria 13 December 2019. Collection method: clinical testing. Allele origin: germline.
Comment: This variant was observed in the ICSL laboratory as part of a predisposition screen in an ostensibly healthy population. It had not been previously curated by ICSL or reported in the Human Gene Mutation Database (HGMD: prior to June 1st, 2018), and was therefore a candidate for classification through an automated scoring system. Utilizing variant allele frequency, disease prevalence and penetrance estimates, and inheritance mode, an automated score was calculated to assess if this variant is too frequent to cause the disease. Based on the score and internal cut-off values, a variant classified as benign is not then subjected to further curation. The score for this variant resulted in a classification of benign for this disease.

Illumina Laboratory Services, Illumina
Classification: Likely benign for Noonan syndrome 5. Last evaluated: 2018-01-12. Review status: criteria provided, single submitter. Criteria: ICSL Variant Classification Criteria 13 December 2019. Collection method: clinical testing. Allele origin: germline.
Comment: This variant was observed in the ICSL laboratory as part of a predisposition screen in an ostensibly healthy population. It had not been previously curated by ICSL or reported in the Human Gene Mutation Database (HGMD: prior to June 1st, 2018), and was therefore a candidate for classification through an automated scoring system. Utilizing variant allele frequency, disease prevalence and penetrance estimates, and inheritance mode, an automated score was calculated to assess if this variant is too frequent to cause the disease. Based on the score and internal cut-off values, a variant classified as likely benign is not then subjected to further curation. The score for this variant resulted in a classification of likely benign for this disease.